The following is an entry in ClinVar:

ClinVar aggregate classification (germline): Uncertain significance (1 of 4 stars; one submission).

Conditions:
Hereditary cancer-predisposing syndrome. Also called: Neoplastic Syndromes, Hereditary; Tumor predisposition; Hereditary Cancer Syndrome; Hereditary neoplastic syndrome. Identifiers: Orphanet 140162, MedGen C0027672, MeSH D009386, MONDO:0015356.

Submission:

Ambry Genetics
Classification: Uncertain significance for Hereditary cancer-predisposing syndrome. Last evaluated: 2020-03-17. Review status: criteria provided, single submitter. Criteria: Ambry Variant Classification Scheme 2023. Collection method: clinical testing. Allele origin: germline.
Comment: The p.D739H variant (also known as c.2215G>C), located in coding exon 15 of the APC gene, results from a G to C substitution at nucleotide position 2215. The aspartic acid at codon 739 is replaced by histidine, an amino acid with similar properties. This amino acid position is highly conserved in available vertebrate species. In addition, in silico predictors for this gene do not accurately predict pathogenicity. Since supporting evidence is limited at this time, the clinical significance of this alteration remains unclear.

NM_000038.6(APC):c.2215G>C (p.Asp739His)

Gene: APC (APC regulator of Wnt signaling pathway; plus strand). Cytogenetic location: 5q22.2.
Variant type: single nucleotide variant.
Coding change: c.2215G>C on transcript NM_000038.6 (MANE Select); coding-DNA position 2215, G replaced by C.
Protein change: p.Asp739His; replaces aspartic acid 739 with histidine.
Molecular consequence: missense variant.
Genome position (GRCh38, 1-based): chr5:112,837,809, G>C. VCF-style: chr5-112837809-G-C. GRCh37 (hg19) VCF-style: chr5-112173506-G-C.
Other names: c.2215G>C, p.Asp739His (NM_001127510.3, NM_001354895.2, NM_001407450.1); c.2161G>C, p.Asp721His (NM_001127511.3); c.2269G>C, p.Asp757His (NM_001354896.2, NM_001407447.1, NM_001407448.1 and 1 more transcripts); c.2245G>C, p.Asp749His (NM_001354897.2); c.2140G>C, p.Asp714His (NM_001354898.2); c.2131G>C, p.Asp711His (NM_001354899.2); c.2092G>C, p.Asp698His (NM_001354900.2); c.2038G>C, p.Asp680His (NM_001354901.2, NM_001407453.1); and 11 more; short protein forms D613H, D656H, D757H, D714H, D732H, D355H, D579H, D638H.
Identifiers: ClinVar variation 1787830 (VCV001787830.2), dbSNP rs2149863486, ClinGen allele CA16026186.